The following is an entry in ClinVar:

NM_015021.3(ZNF292):c.7507C>T (p.Gln2503Ter)

Gene: ZNF292 (zinc finger protein 292; plus strand). Cytogenetic location: 6q14.3.
Variant type: single nucleotide variant.
Coding change: c.7507C>T on transcript NM_015021.3 (MANE Select); coding-DNA position 7507, C replaced by T.
Protein change: p.Gln2503Ter; replaces glutamine 2503 with a stop codon.
Molecular consequence: nonsense.
Genome position (GRCh38, 1-based): chr6:87,261,136, C>T. VCF-style: chr6-87261136-C-T. GRCh37 (hg19) VCF-style: chr6-87970854-C-T.
Other names: c.7087C>T, p.Gln2363Ter (NM_001351444.2); short protein forms Q2503*, Q2363*.
Identifiers: ClinVar variation 430251 (VCV000430251.2), dbSNP rs1131691860, ClinGen allele CA364943658.
Genomic context (GRCh38, chr6:87,261,136, plus strand): 5'-GAACTAACAGAATTGTTTATTACAAAATTAATAAATGAAGATAGCACAAGTGTAGAGACC[C>T]AAGCTAATACTTCTTCAAATGTAAGTAATGATTTTCAGGAAGATAACCTCTGCCAGTCAG-3'

ClinVar aggregate classification (germline): Uncertain significance (1 of 4 stars; one submission).

Submission:

GeneDx
Classification: Uncertain significance. Last evaluated: 2017-05-22. Review status: criteria provided, single submitter. Criteria: GeneDx Variant Classification (06012015). Collection method: clinical testing. Allele origin: germline. Affected: yes.
Comment: The Q2503X variant in the ZNF292 gene not been reported previously as a pathogenic variant nor as a benign variant, to our knowledge. This variant is predicted to cause loss of normal protein function through protein truncation. This variant is not observed in large population cohorts (Lek et al., 2016; 1000 Genomes Consortium et al., 2015; Exome Variant Server). Based on currently available evidence, we interpret Q2503X as a variant of uncertain significance.